The following is an entry in ClinVar:

NM_001174147.2(LMX1B):c.443G>A (p.Arg148Gln)

Gene: LMX1B (LIM homeobox transcription factor 1 beta; plus strand). Cytogenetic location: 9q33.3.
Variant type: single nucleotide variant.
Coding change: c.443G>A on transcript NM_001174147.2 (MANE Select); coding-DNA position 443, G replaced by A.
Protein change: p.Arg148Gln; replaces arginine 148 with glutamine.
Molecular consequence: missense variant.
Genome position (GRCh38, 1-based): chr9:126,690,952, G>A. VCF-style: chr9-126690952-G-A. GRCh37 (hg19) VCF-style: chr9-129453231-G-A.
Other names: c.443G>A, p.Arg148Gln (NM_001174146.2, NM_002316.4); short protein forms R148Q.
Identifiers: ClinVar variation 1006656 (VCV001006656.8), dbSNP rs748017457, ClinGen allele CA5242312.

ClinVar aggregate classification (germline): Uncertain significance (1 of 4 stars; one submission).

Allele frequency attached by ClinVar (database versions not stated): gnomAD exomes below 0.00001 and 0.00001; ExAC 0.00001.
gnomAD v4.1: 11 of 1,614,042 alleles (0.00068%); highest among the groups gnomAD compares: Non-Finnish European, 0.00068%; no homozygotes.

Submission:

Labcorp Genetics (formerly Invitae), Labcorp
Classification: Uncertain significance. Last evaluated: 2025-05-14. Review status: criteria provided, single submitter. Criteria: Invitae Variant Classification Sherloc (09022015). Collection method: clinical testing. Allele origin: germline.
Comment: This sequence change replaces arginine, which is basic and polar, with glutamine, which is neutral and polar, at codon 148 of the LMX1B protein (p.Arg148Gln). This variant is present in population databases (rs748017457, gnomAD 0.02%). This variant has not been reported in the literature in individuals affected with LMX1B-related conditions. ClinVar contains an entry for this variant (Variation ID: 1006656). Invitae Evidence Modeling of protein sequence and biophysical properties (such as structural, functional, and spatial information, amino acid conservation, physicochemical variation, residue mobility, and thermodynamic stability) indicates that this missense variant is not expected to disrupt LMX1B protein function with a negative predictive value of 80%. In summary, the available evidence is currently insufficient to determine the role of this variant in disease. Therefore, it has been classified as a Variant of Uncertain Significance.